The following is an entry in ClinVar:

ClinVar aggregate classification (germline): Benign/Likely benign. Review status: criteria provided, multiple submitters, no conflicts (2 of 4 stars). 6 submissions from 6 submitters: Benign (1); Likely benign (5). Last evaluated 2026-07-13.

Conditions:
Hereditary cancer-predisposing syndrome. Also called: Hereditary Cancer Syndrome; Tumor predisposition; Hereditary neoplastic syndrome; Neoplastic Syndromes, Hereditary. Identifiers: Orphanet 140162, MedGen C0027672, MeSH D009386, MONDO:0015356.
Rhabdoid tumor predisposition syndrome 2 (RTPS2). Identifiers: Orphanet 231108, Orphanet 69077, MedGen C2750074, MONDO:0013224, OMIM 613325.

Allele frequency attached by ClinVar (database versions not stated): gnomAD 0.00001; TOPMed 0.00001.
gnomAD v4.1: 13 of 1,613,614 alleles (0.00081%); highest among the groups gnomAD compares: Middle Eastern, 0.016%; no homozygotes.

Submissions (6):

Myriad Genetics, Inc.
Classification: Benign for Rhabdoid tumor predisposition syndrome 2. Last evaluated: 2026-07-13. Review status: criteria provided, single submitter. Criteria: Myriad Autosomal Dominant, Autosomal Recessive and X-Linked Classification Criteria (2023). Collection method: clinical testing. Allele origin: unknown.
Comment: This variant is considered benign. This variant is a silent/synonymous amino acid change and it is not expected to impact splicing.

Labcorp Genetics (formerly Invitae), Labcorp
Classification: Likely benign for Rhabdoid tumor predisposition syndrome 2. Last evaluated: 2025-09-04. Review status: criteria provided, single submitter. Criteria: Invitae Variant Classification Sherloc (09022015). Collection method: clinical testing. Allele origin: germline.

Blueprint Genetics
Classification: Likely benign. Last evaluated: 2023-06-28. Review status: criteria provided, single submitter. Criteria: ACMG Guidelines, 2015. Collection method: clinical testing. Allele origin: germline.

CeGaT Center for Human Genetics Tuebingen
Classification: Likely benign. Last evaluated: 2022-10-01. Review status: criteria provided, single submitter. Criteria: CeGaT Center For Human Genetics Tuebingen Variant Classification Criteria Version 2. Collection method: clinical testing. Allele origin: germline. Affected: yes. Observed: 1 variant allele.
Comment: SMARCA4: BP4, BP7

Sema4
Classification: Likely benign for Hereditary cancer-predisposing syndrome. Last evaluated: 2021-10-26. Review status: criteria provided, single submitter. Criteria: Sema4 Curation Guidelines. Collection method: curation. Allele origin: germline.

Ambry Genetics
Classification: Likely benign for Hereditary cancer-predisposing syndrome. Last evaluated: 2017-02-13. Review status: criteria provided, single submitter. Criteria: Ambry Variant Classification Scheme 2023. Collection method: clinical testing. Allele origin: germline.

NM_003072.5(SMARCA4):c.2697G>A (p.Thr899=)

Gene: SMARCA4 (SWI/SNF related BAF chromatin remodeling complex subunit ATPase 4; plus strand). Cytogenetic location: 19p13.2.
Variant type: single nucleotide variant.
Coding change: c.2697G>A on transcript NM_003072.5 (MANE Select); coding-DNA position 2697, G replaced by A.
Protein change: p.Thr899=; no amino-acid change (threonine 899 retained).
Molecular consequence: synonymous variant. On other transcripts: non-coding transcript variant (1).
Genome position (GRCh38, 1-based): chr19:11,021,805, G>A. VCF-style: chr19-11021805-G-A. GRCh37 (hg19) VCF-style: chr19-11132481-G-A.
Other names: c.2697G>A, p.Thr899= (NM_001128847.4, NM_001128848.2, NM_001128849.3 and 5 more transcripts).
Identifiers: ClinVar variation 238413 (VCV000238413.42), dbSNP rs373267815, ClinGen allele CA9204214.